The following is an entry in ClinVar:

ClinVar aggregate classification (germline): Likely benign. Review status: criteria provided, multiple submitters, no conflicts (2 of 4 stars). 4 submissions from 4 submitters: Likely benign (4). Last evaluated 2025-11-25.

Conditions:
POLD1-related polyposis and colorectal cancer syndrome (CRCS10). Also called: Colorectal cancer 10; COLORECTAL CANCER, SUSCEPTIBILITY TO, ON CHROMOSOME 19q; Colorectal cancer, susceptibility to, 10. Identifiers: Orphanet 220460, MedGen C2675481, MONDO:0012953, OMIM 612591.
Hereditary cancer-predisposing syndrome. Also called: Tumor predisposition; Hereditary Cancer Syndrome; Hereditary neoplastic syndrome; Neoplastic Syndromes, Hereditary. Identifiers: Orphanet 140162, MedGen C0027672, MeSH D009386, MONDO:0015356.

Allele frequency attached by ClinVar (database versions not stated): gnomAD 0.00001 and 0.00002; gnomAD exomes 0.00001; TOPMed 0.00002; ExAC 0.00003.
gnomAD v4.1: 11 of 1,601,258 alleles (0.00069%); highest among the groups gnomAD compares: Non-Finnish European, 0.00085%; no homozygotes.

Submissions (4):

Labcorp Genetics (formerly Invitae), Labcorp
Classification: Likely benign for POLD1-related polyposis and colorectal cancer syndrome. Last evaluated: 2025-11-25. Review status: criteria provided, single submitter. Criteria: Invitae Variant Classification Sherloc (09022015). Collection method: clinical testing. Allele origin: germline.

Ambry Genetics
Classification: Likely benign for Hereditary cancer-predisposing syndrome. Last evaluated: 2018-05-14. Review status: criteria provided, single submitter. Criteria: Ambry Variant Classification Scheme 2023. Collection method: clinical testing. Allele origin: germline.

GeneDx
Classification: Likely benign. Last evaluated: 2018-02-26. Review status: criteria provided, single submitter. Criteria: GeneDx Variant Classification (06012015). Collection method: clinical testing. Allele origin: germline. Affected: yes.
Comment: This variant is considered likely benign or benign based on one or more of the following criteria: it is a conservative change, it occurs at a poorly conserved position in the protein, it is predicted to be benign by multiple in silico algorithms, and/or has population frequency not consistent with disease.

PreventionGenetics, part of Exact Sciences
Classification: Likely benign. Last evaluated: 2018-01-17. Review status: criteria provided, single submitter. Criteria: ACMG Guidelines, 2015. Collection method: clinical testing. Allele origin: germline.

NM_002691.4(POLD1):c.3192C>T (p.Ser1064=)

Gene: POLD1 (DNA polymerase delta 1, catalytic subunit; plus strand). Cytogenetic location: 19q13.33.
Variant type: single nucleotide variant.
Coding change: c.3192C>T on transcript NM_002691.4 (MANE Select); coding-DNA position 3192, C replaced by T.
Protein change: p.Ser1064=; no amino-acid change (serine 1064 retained).
Molecular consequence: synonymous variant. On other transcripts: non-coding transcript variant (1).
Genome position (GRCh38, 1-based): chr19:50,417,243, C>T. VCF-style: chr19-50417243-C-T. GRCh37 (hg19) VCF-style: chr19-50920500-C-T.
Other names: c.3192C>T, p.Ser1064= (NM_001256849.1); c.3270C>T, p.Ser1090= (NM_001308632.1).
Identifiers: ClinVar variation 515864 (VCV000515864.14), dbSNP rs773088677, ClinGen allele CA9596785.